The following is an entry in ClinVar:

ClinVar aggregate classification (germline): Uncertain significance. Review status: criteria provided, multiple submitters, no conflicts (2 of 4 stars). 4 submissions from 4 submitters: Uncertain significance (4). Last evaluated 2025-05-12.

Conditions:
RECQL-related disorder. Also called: RECQL-related condition.

Allele frequency attached by ClinVar (database versions not stated): gnomAD exomes 0.00001; TOPMed 0.00001; ExAC 0.00002; gnomAD 0.00002.

Submissions (4):

GeneDx
Classification: Uncertain significance. Last evaluated: 2025-05-12. Review status: criteria provided, single submitter. Criteria: GeneDx Variant Classification Process June 2021. Collection method: clinical testing. Allele origin: germline. Affected: yes.
Comment: Observed in individuals with breast, ovarian, and other cancers (PMID: 25915596, 29625052, 31173646, 31604778, 32546565, 36451132); Nonsense variant predicted to result in protein truncation or nonsense mediated decay in a gene or region of a gene for which loss of function is not a well-established mechanism of disease; Not observed at significant frequency in large population cohorts (gnomAD); Variants in candidate genes are classified as variants of uncertain significance in accordance with ACMG guidelines (PMID: 25741868); This variant is associated with the following publications: (PMID: 25915596, 23634996, 31173646, 29625052, 31604778, 32546565, 36451132)

Labcorp Genetics (formerly Invitae), Labcorp
Classification: Uncertain significance. Last evaluated: 2023-11-29. Review status: criteria provided, single submitter. Criteria: Invitae Variant Classification Sherloc (09022015). Collection method: clinical testing. Allele origin: germline.
Comment: This sequence change creates a premature translational stop signal (p.Arg407*) in the RECQL gene. It is expected to result in an absent or disrupted protein product. However, the current clinical and genetic evidence is not sufficient to establish whether loss-of-function variants in RECQL cause disease. This variant is present in population databases (rs770499904, gnomAD 0.003%). This premature translational stop signal has been observed in individual(s) with breast cancer and acute myeloid leukemia (PMID: 25915596, 29625052, 36451132). ClinVar contains an entry for this variant (Variation ID: 545999). In summary, the available evidence is currently insufficient to determine the role of this variant in disease. Therefore, it has been classified as a Variant of Uncertain Significance.

PreventionGenetics, part of Exact Sciences
Classification: Uncertain significance for RECQL-related condition. Last evaluated: 2023-08-09. Review status: criteria provided, single submitter. Criteria: ACMG Guidelines, 2015. Collection method: clinical testing. Allele origin: germline.
Comment: The RECQL c.1219C>T variant is predicted to result in premature protein termination (p.Arg407*). This variant was reported as a germline variant in individuals with Breast cancer (Cybulski et al. 2015. PubMed ID: 25915596; Huang et al. 2018. PubMed ID: 29625052). Nonsense variants in RECQL are expected to be pathogenic. This variant is reported in 0.0033% of alleles in individuals of South Asian descent in gnomAD. This variant is interpreted as likely pathogenic.

Ambry Genetics
Classification: Uncertain significance. Last evaluated: 2023-04-11. Review status: criteria provided, single submitter. Criteria: Ambry Variant Classification Scheme 2023. Collection method: clinical testing. Allele origin: germline.
Comment: The p.R407* variant (also known as c.1219C>T), located in coding exon 10 of the RECQL gene, results from a C to T substitution at nucleotide position 1219. This changes the amino acid from an arginine to a stop codon within coding exon 10. This alteration is expected to result in loss of function by premature protein truncation or nonsense-mediated mRNA decay. The evidence for this gene-disease relationship is limited; therefore, the clinical significance of this alteration is unclear.

Literature cited by the submitters: PubMed 25915596 (cited by Labcorp Genetics (formerly Invitae), Labcorp and Ambry Genetics); PubMed 29625052 (cited by Labcorp Genetics (formerly Invitae), Labcorp); PubMed 36451132 (cited by Labcorp Genetics (formerly Invitae), Labcorp); PubMed 31604778 (cited by Ambry Genetics).

NM_002907.4(RECQL):c.1219C>T (p.Arg407Ter)

Gene: RECQL (RecQ like helicase; minus strand). Cytogenetic location: 12p12.1.
Variant type: single nucleotide variant.
Coding change: c.1219C>T on transcript NM_002907.4 (MANE Select); coding-DNA position 1219, C replaced by T.
Protein change: p.Arg407Ter; replaces arginine 407 with a stop codon.
Molecular consequence: nonsense.
Genome position (GRCh38, 1-based): chr12:21,474,977, G>A on the plus strand (C>T on the coding strand, the complement: RECQL is on the minus strand). VCF-style: chr12-21474977-G-A. GRCh37 (hg19) VCF-style: chr12-21627911-G-A.
Other names: c.1219C>T, p.Arg407Ter (NM_032941.3); short protein forms R407*.
Identifiers: ClinVar variation 545999 (VCV000545999.15), dbSNP rs770499904, ClinGen allele CA6478814.
Genomic context (GRCh38, chr12:21,474,977, plus strand): 5'-TTATTCTGAATATATCTCCAAAGCCGTAGTACAAAATACAGTCTGCTTTCATGTCATCTC[G>A]ACCTGTGGTGTGAGAAACCTTGAGATTGCAGAATTACATTTACAAATTCAAAATATGCAA-3'